The following is an entry in ClinVar:

ClinVar aggregate classification (germline): Benign. Review status: criteria provided, multiple submitters, no conflicts (2 of 4 stars). 3 submissions from 3 submitters: Benign (2). 1 of the submissions does not count toward it. Last evaluated 2019-04-01.

Conditions:
PER2-related disorder. Also called: PER2-related condition.

Allele frequency attached by ClinVar (database versions not stated): 1000 Genomes Project 30x 0.09104; 1000 Genomes Project 0.09405; ESP Exome Variant Server 0.10226; TOPMed 0.11205; gnomAD 0.11340 and 0.11433; ExAC 0.12406; gnomAD exomes 0.12949 and 0.13466.
gnomAD v4.1: 213,336 of 1,613,266 alleles (13%); highest among the groups gnomAD compares: Admixed American, 19%; 15,173 homozygotes.

Submissions (3):

GeneDx
Classification: Benign. Last evaluated: 2019-04-01. Review status: criteria provided, single submitter. Criteria: GeneDx Variant Classification Process June 2021. Collection method: clinical testing. Allele origin: germline. Affected: yes.

Breakthrough Genomics
Classification: Benign. Review status: criteria provided, single submitter. Criteria: ACMG Guidelines, 2015. Collection method: not provided. Allele origin: germline. Inheritance: Autosomal dominant inheritance. Affected: yes.

PreventionGenetics, part of Exact Sciences
Classification: Benign for PER2-related condition. Last evaluated: 2019-10-21. Review status: no assertion criteria provided. Collection method: clinical testing. Allele origin: germline. Not counted in ClinVar's aggregate classification.
Comment: This variant is classified as benign based on ACMG/AMP sequence variant interpretation guidelines (Richards et al. 2015 PMID: 25741868, with internal and published modifications).

NM_022817.3(PER2):c.1965A>G (p.Ala655=)

Gene: PER2 (period circadian regulator 2; minus strand). Cytogenetic location: 2q37.3.
Variant type: single nucleotide variant.
Coding change: c.1965A>G on transcript NM_022817.3 (MANE Select); coding-DNA position 1965, A replaced by G.
Protein change: p.Ala655=; no amino-acid change (alanine 655 retained).
Molecular consequence: synonymous variant.
Genome position (GRCh38, 1-based): chr2:238,257,022, T>C on the plus strand (A>G on the coding strand, the complement: PER2 is on the minus strand). VCF-style: chr2-238257022-T-C. GRCh37 (hg19) VCF-style: chr2-239165663-T-C.
Identifiers: ClinVar variation 1246724 (VCV001246724.5), dbSNP rs2304669, ClinGen allele CA2197224.